The following is an entry in ClinVar:

NM_021971.4(GMPPB):c.859C>A (p.Arg287=)

Gene: GMPPB (GDP-mannose pyrophosphorylase B; minus strand). Cytogenetic location: 3p21.31.
Variant type: single nucleotide variant.
Coding change: c.859C>A on transcript NM_021971.4 (MANE Select); coding-DNA position 859, C replaced by A.
Protein change: p.Arg287=; no amino-acid change (arginine 287 retained).
Molecular consequence: synonymous variant.
Genome position (GRCh38, 1-based): chr3:49,722,057, G>T on the plus strand (C>A on the coding strand, the complement: GMPPB is on the minus strand). VCF-style: chr3-49722057-G-T. GRCh37 (hg19) VCF-style: chr3-49759490-G-T.
Other names: c.859C>A (NM_021971.2); c.859C>A, p.Arg287= (NM_013334.4).
Identifiers: ClinVar variation 1367536 (VCV001367536.23), dbSNP rs142908436, ClinGen allele CA2405423.

ClinVar aggregate classification (germline): Conflicting classifications of pathogenicity. Review status: criteria provided, conflicting classifications (1 of 4 stars). 2 submissions from 2 submitters: Uncertain significance (1); Likely benign (1). Last evaluated 2025-05-27.

Conditions:
Muscular dystrophy-dystroglycanopathy (congenital with impaired intellectual development), type B, 14. Also called: Congenital muscular dystrophy-dystroglycanopathy with mental retardation, type B14; Muscular dystrophy-dystroglycanopathy (congenital with intellectual disability), type B14; MUSCULAR DYSTROPHY, CONGENITAL, GMPPB-RELATED. Identifiers: MedGen C3809221, MONDO:0014141, OMIM 615351.
Autosomal recessive limb-girdle muscular dystrophy type 2T. Also called: Limb-girdle muscular dystrophy-dystroglycanopathy, type C14; MUSCULAR DYSTROPHY-DYSTROGLYCANOPATHY, LIMB-GIRDLE, GMPPB-RELATED; MUSCULAR DYSTROPHY, LIMB-GIRDLE, TYPE 2T; Muscular dystrophy-dystroglycanopathy (limb-girdle), type c, 14. Identifiers: Orphanet 363623, MedGen C4518000, MONDO:0014142, OMIM 615352.
Muscular dystrophy-dystroglycanopathy (congenital with brain and eye anomalies), type A14. Also called: Congenital muscular dystrophy-dystroglycanopathy with brain and eye anomalies, type A14; WALKER-WARBURG SYNDROME OR MUSCLE-EYE-BRAIN DISEASE, GMPPB-RELATED; Muscular dystrophy-dystroglycanopathy (congenital with brain and eye anomalies), type a, 14; Congenital Muscular Dystrophy-Dystroglycanopathy with Brain and Eye Anomalies Type A 14. Identifiers: Orphanet 588, MedGen C3809216, MONDO:0014140, OMIM 615350.

Submissions (2):

Labcorp Genetics (formerly Invitae), Labcorp
Classification: Likely benign for Autosomal recessive limb-girdle muscular dystrophy type 2T; Muscular dystrophy-dystroglycanopathy (congenital with brain and eye anomalies), type A14; Muscular dystrophy-dystroglycanopathy (congenital with impaired intellectual development), type B, 14. Last evaluated: 2025-05-27. Review status: criteria provided, single submitter. Criteria: Invitae Variant Classification Sherloc (09022015). Collection method: clinical testing. Allele origin: germline.

CeGaT Center for Human Genetics Tuebingen
Classification: Uncertain significance. Last evaluated: 2024-08-01. Review status: criteria provided, single submitter. Criteria: CeGaT Center For Human Genetics Tuebingen Variant Classification Criteria Version 2. Collection method: clinical testing. Allele origin: germline. Affected: yes. Observed: 1 variant allele.
Comment: GMPPB: PM2:Supporting, BP4